The following is an entry in ClinVar:

NM_000038.6(APC):c.226A>C (p.Asn76His)

Gene: APC (APC regulator of Wnt signaling pathway; plus strand). Cytogenetic location: 5q22.2.
Variant type: single nucleotide variant.
Coding change: c.226A>C on transcript NM_000038.6 (MANE Select); coding-DNA position 226, A replaced by C.
Protein change: p.Asn76His; replaces asparagine 76 with histidine.
Molecular consequence: missense variant. On other transcripts: 5 prime UTR variant (1).
Genome position (GRCh38, 1-based): chr5:112,767,194, A>C. VCF-style: chr5-112767194-A-C. GRCh37 (hg19) VCF-style: chr5-112102891-A-C.
Other names: c.226A>C, p.Asn76His (NM_001127510.3, NM_001354895.2, NM_001354896.2 and 2 more transcripts); c.256A>C, p.Asn86His (NM_001127511.3, NM_001354897.2, NM_001354902.2); c.151A>C, p.Asn51His (NM_001354898.2, NM_001354904.2); c.49A>C, p.Asn17His (NM_001354900.2, NM_001354901.2, NM_001354905.2); c.-810A>C (NM_001354906.2); short protein forms N76H, N86H, N51H, N17H.
Identifiers: ClinVar variation 938157 (VCV000938157.13), dbSNP rs1756428709, ClinGen allele CA16021833.
Genomic context (GRCh38, chr5:112,767,194, plus strand): 5'-ATTTTAGACTGCTTAAAGCAATTGTTGTATAAAAACTTGTTTCTATTTTATTTAGAGCTT[A>C]ACTTAGATAGCAGTAATTTCCCTGGAGTAAAACTGCGGTCAAAAATGTCCCTCCGTTCTT-3'
Protein context (NP_000029.2, residues 66-86): IDLLERLKEL[Asn76His]LDSSNFPGVK

ClinVar aggregate classification (germline): Uncertain significance. Review status: criteria provided, multiple submitters, no conflicts (2 of 4 stars). 2 submissions from 2 submitters: Uncertain significance (2). Last evaluated 2023-05-04.

Conditions:
Hereditary cancer-predisposing syndrome. Also called: Tumor predisposition; Hereditary neoplastic syndrome; Hereditary Cancer Syndrome; Neoplastic Syndromes, Hereditary. Identifiers: Orphanet 140162, MedGen C0027672, MeSH D009386, MONDO:0015356.
Familial adenomatous polyposis 1 (FAP1). Also called: POLYPOSIS, ADENOMATOUS INTESTINAL; FAMILIAL ADENOMATOUS POLYPOSIS 1, ATTENUATED. Identifiers: MedGen C2713442, MONDO:0021056, OMIM 175100. Disease mechanism: loss of function.

Submissions (2):

Ambry Genetics
Classification: Uncertain significance for Hereditary cancer-predisposing syndrome. Last evaluated: 2023-05-04. Review status: criteria provided, single submitter. Criteria: Ambry Variant Classification Scheme 2023. Collection method: clinical testing. Allele origin: germline.
Comment: The p.N76H variant (also known as c.226A>C), located in coding exon 3 of the APC gene, results from an A to C substitution at nucleotide position 226. The asparagine at codon 76 is replaced by histidine, an amino acid with similar properties. This amino acid position is conserved. In addition, in silico predictors for this gene do not accurately predict pathogenicity. Since supporting evidence is limited at this time, the clinical significance of this alteration remains unclear.

Labcorp Genetics (formerly Invitae), Labcorp
Classification: Uncertain significance for Familial adenomatous polyposis 1. Last evaluated: 2019-09-20. Review status: criteria provided, single submitter. Criteria: Invitae Variant Classification Sherloc (09022015). Collection method: clinical testing. Allele origin: germline.
Comment: This variant has not been reported in the literature in individuals with APC-related conditions. This variant is not present in population databases (ExAC no frequency). This sequence change replaces asparagine with histidine at codon 76 of the APC protein (p.Asn76His). The asparagine residue is highly conserved and there is a small physicochemical difference between asparagine and histidine. In summary, the available evidence is currently insufficient to determine the role of this variant in disease. Therefore, it has been classified as a Variant of Uncertain Significance. Algorithms developed to predict the effect of missense changes on protein structure and function (SIFT, PolyPhen-2, Align-GVGD) all suggest that this variant is likely to be tolerated, but these predictions have not been confirmed by published functional studies and their clinical significance is uncertain.